The following is an entry in ClinVar:

NM_000271.5(NPC1):c.1947+17del

Gene: NPC1 (NPC intracellular cholesterol transporter 1; minus strand). Cytogenetic location: 18q11.2.
Variant type: Deletion.
Coding change: c.1947+17del on transcript NM_000271.5 (MANE Select); 17 bases into the intron after coding-DNA position 1947, one base deleted (T; older notation c.1947+17delT).
Molecular consequence: intron variant.
Genome position (GRCh38, 1-based): chr18:23,544,943, A deleted on the plus strand (T on the coding strand, the reverse complement: NPC1 is on the minus strand). VCF-style (leftmost placement, unchanged base first): chr18-23544942-CA-C. GRCh37 (hg19) VCF-style: chr18-21124906-CA-C.
Other names: c.1947+17delT (NM_000271.4).
Identifiers: ClinVar variation 1927039 (VCV001927039.6), dbSNP rs1258341191, ClinGen allele CA503521845.

ClinVar aggregate classification (germline): Likely benign. Review status: criteria provided, multiple submitters, no conflicts (2 of 4 stars). 2 submissions from 2 submitters: Likely benign (2). Last evaluated 2026-02-11.

Conditions:
NPC1-related disorder. Also called: NPC1-related condition.
Niemann-Pick disease, type C1. Also called: NEUROVISCERAL STORAGE DISEASE WITH VERTICAL SUPRANUCLEAR OPHTHALMOPLEGIA; NIEMANN-PICK DISEASE WITH CHOLESTEROL ESTERIFICATION BLOCK; NIEMANN-PICK DISEASE WITHOUT SPHINGOMYELINASE DEFICIENCY; NIEMANN-PICK DISEASE, CHRONIC NEURONOPATHIC FORM; NIEMANN-PICK DISEASE, VARIANT TYPE C1. Identifiers: Orphanet 646, MedGen C3179455, MONDO:0009757, OMIM 257220.

Allele frequency attached by ClinVar (database versions not stated): gnomAD exomes below 0.00001.

Submissions (2):

PreventionGenetics, part of Exact Sciences
Classification: Likely benign for NPC1-related condition. Last evaluated: 2026-02-11. Review status: criteria provided, single submitter. Criteria: ACMG Guidelines, 2015. Collection method: clinical testing. Allele origin: germline.
Comment: This variant is classified as likely benign based on ACMG/AMP sequence variant interpretation guidelines (Richards et al. 2015 PMID: 25741868, with internal and published modifications).

Labcorp Genetics (formerly Invitae), Labcorp
Classification: Likely benign for Niemann-Pick disease, type C1. Last evaluated: 2023-12-18. Review status: criteria provided, single submitter. Criteria: Invitae Variant Classification Sherloc (09022015). Collection method: clinical testing. Allele origin: germline.